The following is an entry in ClinVar:

NM_001001557.4(GDF6):c.611C>G (p.Pro204Arg)

Gene: GDF6 (growth differentiation factor 6; minus strand). Cytogenetic location: 8q22.1.
Variant type: single nucleotide variant.
Coding change: c.611C>G on transcript NM_001001557.4 (MANE Select); coding-DNA position 611, C replaced by G.
Protein change: p.Pro204Arg; replaces proline 204 with arginine.
Molecular consequence: missense variant.
Genome position (GRCh38, 1-based): chr8:96,145,320, G>C on the plus strand (C>G on the coding strand, the complement: GDF6 is on the minus strand). VCF-style: chr8-96145320-G-C. GRCh37 (hg19) VCF-style: chr8-97157548-G-C.
Other names: short protein forms P204R.
Identifiers: ClinVar variation 3519547 (VCV003519547.3).

ClinVar aggregate classification (germline): Uncertain significance. Review status: criteria provided, multiple submitters, no conflicts (2 of 4 stars). 2 submissions from 2 submitters: Uncertain significance (2). Last evaluated 2024-12-18.

Conditions:
Inborn genetic diseases. Identifiers: MedGen C0950123, MeSH D030342.
Microphthalmia, isolated, with coloboma 6 (MCOPCB6). Also called: MICROPHTHALMIA/COLOBOMA 6; Microphthalmia with coloboma 6, digenic; Microphthalmia with coloboma 6. Identifiers: Orphanet 98938, MedGen C3150968, MONDO:0013376, OMIM 613703.
Isolated microphthalmia 4. Identifiers: Orphanet 2542, MedGen C2751307, MONDO:0013130, OMIM 613094.
Leber congenital amaurosis 17 (LCA17). Identifiers: Orphanet 65, MedGen C3715164, MONDO:0014145, OMIM 615360.
Klippel-Feil syndrome 1, autosomal dominant (KFS1). Also called: CERVICAL VERTEBRAL FUSION, AUTOSOMAL DOMINANT. Identifiers: Orphanet 2345, MedGen C1861689, MONDO:0007306, OMIM 118100.

gnomAD v4.1: 3 of 1,534,006 alleles (0.0002%); highest among the groups gnomAD compares: African/African-American, 0.0027%; no homozygotes.

Submissions (2):

Labcorp Genetics (formerly Invitae), Labcorp
Classification: Uncertain significance for Isolated microphthalmia 4; Leber congenital amaurosis 17; Klippel-Feil syndrome 1, autosomal dominant; Microphthalmia, isolated, with coloboma 6. Last evaluated: 2024-12-18. Review status: criteria provided, single submitter. Criteria: Invitae Variant Classification Sherloc (09022015). Collection method: clinical testing. Allele origin: germline.
Comment: This sequence change replaces proline, which is neutral and non-polar, with arginine, which is basic and polar, at codon 204 of the GDF6 protein (p.Pro204Arg). This variant is present in population databases (no rsID available, gnomAD 0.02%). This variant has not been reported in the literature in individuals affected with GDF6-related conditions. Invitae Evidence Modeling of protein sequence and biophysical properties (such as structural, functional, and spatial information, amino acid conservation, physicochemical variation, residue mobility, and thermodynamic stability) indicates that this missense variant is not expected to disrupt GDF6 protein function with a negative predictive value of 80%. In summary, the available evidence is currently insufficient to determine the role of this variant in disease. Therefore, it has been classified as a Variant of Uncertain Significance.

Ambry Genetics
Classification: Uncertain significance for Inborn genetic diseases. Last evaluated: 2024-08-20. Review status: criteria provided, single submitter. Criteria: Ambry Variant Classification Scheme 2023. Collection method: clinical testing. Allele origin: germline.